The following is an entry in ClinVar:

NM_002417.5(MKI67):c.3651G>A (p.Lys1217=)

Gene: MKI67 (marker of proliferation Ki-67; minus strand). Cytogenetic location: 10q26.2.
Variant type: single nucleotide variant.
Coding change: c.3651G>A on transcript NM_002417.5 (MANE Select); coding-DNA position 3651, G replaced by A.
Protein change: p.Lys1217=; no amino-acid change (lysine 1217 retained).
Molecular consequence: synonymous variant.
Genome position (GRCh38, 1-based): chr10:128,108,189, C>T on the plus strand (G>A on the coding strand, the complement: MKI67 is on the minus strand). VCF-style: chr10-128108189-C-T. GRCh37 (hg19) VCF-style: chr10-129906453-C-T.
Other names: c.2571G>A, p.Lys857= (NM_001145966.2).
Identifiers: ClinVar variation 2640967 (VCV002640967.24), dbSNP rs139016865, ClinGen allele CA5746968.

ClinVar aggregate classification (germline): Likely benign (1 of 4 stars; one submission).

Allele frequency attached by ClinVar (database versions not stated): 1000 Genomes Project 0.00120; 1000 Genomes Project 30x 0.00141; gnomAD 0.00193; TOPMed 0.00211; ESP Exome Variant Server 0.00215; gnomAD exomes 0.00239; ExAC 0.00298.
gnomAD v4.1: 3,837 of 1,613,390 alleles (0.24%); highest among the groups gnomAD compares: Middle Eastern, 0.89%; 16 homozygotes.

Submission:

CeGaT Center for Human Genetics Tuebingen
Classification: Likely benign. Last evaluated: 2022-09-01. Review status: criteria provided, single submitter. Criteria: CeGaT Center For Human Genetics Tuebingen Variant Classification Criteria Version 2. Collection method: clinical testing. Allele origin: germline. Affected: yes. Observed: 1 variant allele.
Comment: MKI67: BP4, BP7